The following is an entry in ClinVar:

NM_003579.4(RAD54L):c.944T>G (p.Leu315Trp)

Gene: RAD54L (RAD54 like; plus strand). Cytogenetic location: 1p34.1.
Variant type: single nucleotide variant.
Coding change: c.944T>G on transcript NM_003579.4 (MANE Select); coding-DNA position 944, T replaced by G.
Protein change: p.Leu315Trp; replaces leucine 315 with tryptophan.
Molecular consequence: missense variant.
Genome position (GRCh38, 1-based): chr1:46,267,511, T>G. VCF-style: chr1-46267511-T-G. GRCh37 (hg19) VCF-style: chr1-46733183-T-G.
Other names: c.944T>G, p.Leu315Trp (NM_001142548.2); c.404T>G, p.Leu135Trp (NM_001370766.1); short protein forms L135W, L315W.
Identifiers: ClinVar variation 1766996 (VCV001766996.2), dbSNP rs2148294987, ClinGen allele CA340192257.
Genomic context (GRCh38, chr1:46,267,511, plus strand): 5'-TCTTGCAGGGACACAGGCTCAAGAACTCTGAGAATCAGACTTACCAAGCCCTGGACAGCT[T>G]GAACACCAGCCGGCGGGTGCTCATCTCCGGAACTCCCATCCAGAATGATCTGCTTGAGTA-3'
Protein context (NP_003570.2, residues 305-325): ENQTYQALDS[Leu315Trp]NTSRRVLISG

ClinVar aggregate classification (germline): Uncertain significance (1 of 4 stars; one submission).

Submission:

Ambry Genetics
Classification: Uncertain significance. Last evaluated: 2022-06-07. Review status: criteria provided, single submitter. Criteria: Ambry Variant Classification Scheme 2023. Collection method: clinical testing. Allele origin: germline.
Comment: The p.L315W variant (also known as c.944T>G), located in coding exon 9 of the RAD54L gene, results from a T to G substitution at nucleotide position 944. The leucine at codon 315 is replaced by tryptophan, an amino acid with similar properties. This amino acid position is conserved. In addition, this alteration is predicted to be deleterious by in silico analysis. Since supporting evidence is limited at this time, the clinical significance of this alteration remains unclear.